The following is an entry in ClinVar:

ClinVar aggregate classification (germline): Benign. Review status: criteria provided, multiple submitters, no conflicts (2 of 4 stars). 7 submissions from 7 submitters: Benign (7). Last evaluated 2026-02-03.

Conditions:
Autosomal recessive nonsyndromic hearing loss 35. Identifiers: Orphanet 90636, MedGen C1837857, MONDO:0012060, OMIM 608565.

Allele frequency attached by ClinVar (database versions not stated): gnomAD 0.07261 and 0.07668; TOPMed 0.07573; 1000 Genomes Project 30x 0.12008; 1000 Genomes Project 0.12540; ESP Exome Variant Server 0.05997.
gnomAD v4.1: 104,414 of 1,613,444 alleles (6.5%); highest among the groups gnomAD compares: East Asian, 25%; 4,914 homozygotes.

Submissions (7):

Labcorp Genetics (formerly Invitae), Labcorp
Classification: Benign. Last evaluated: 2026-02-03. Review status: criteria provided, single submitter. Criteria: Invitae Variant Classification Sherloc (09022015). Collection method: clinical testing. Allele origin: germline.

Mayo Clinic Laboratories, Mayo Clinic
Classification: Benign. Last evaluated: 2020-10-02. Review status: criteria provided, single submitter. Criteria: ACMG Guidelines, 2015. Collection method: clinical testing. Allele origin: germline. Observed: 19 variant alleles.

Illumina Laboratory Services, Illumina
Classification: Benign for Autosomal recessive nonsyndromic hearing loss 35. Last evaluated: 2018-01-13. Review status: criteria provided, single submitter. Criteria: ICSL Variant Classification Criteria 13 December 2019. Collection method: clinical testing. Allele origin: germline.
Comment: This variant was observed in the ICSL laboratory as part of a predisposition screen in an ostensibly healthy population. It had not been previously curated by ICSL or reported in the Human Gene Mutation Database (HGMD: prior to June 1st, 2018), and was therefore a candidate for classification through an automated scoring system. Utilizing variant allele frequency, disease prevalence and penetrance estimates, and inheritance mode, an automated score was calculated to assess if this variant is too frequent to cause the disease. Based on the score and internal cut-off values, a variant classified as benign is not then subjected to further curation. The score for this variant resulted in a classification of benign for this disease.

GeneDx
Classification: Benign. Last evaluated: 2017-05-09. Review status: criteria provided, single submitter. Criteria: GeneDx Variant Classification (06012015). Collection method: clinical testing. Allele origin: germline. Affected: yes.
Comment: This variant is considered likely benign or benign based on one or more of the following criteria: it is a conservative change, it occurs at a poorly conserved position in the protein, it is predicted to be benign by multiple in silico algorithms, and/or has population frequency not consistent with disease.

Laboratory for Molecular Medicine, Mass General Brigham Personalized Medicine
Classification: Benign. Last evaluated: 2012-05-07. Review status: criteria provided, single submitter. Criteria: LMM Criteria. Collection method: clinical testing. Allele origin: germline. Observed: 213 variant alleles.
Comment: "Ile27Ile in Exon 04 of ESRRB: This variant is not expected to have clinical sig nificance because it does not alter an amino acid residue, is not located within the splice consensus sequence, and has been identified in 8.1% (301/3718) of Af rican American chromosomes from a broad population by the NHLBI Exome Sequencing Project (dbSNP rs35544003)."

Breakthrough Genomics
Classification: Benign. Review status: criteria provided, single submitter. Criteria: ACMG Guidelines, 2015. Collection method: not provided. Allele origin: germline. Inheritance: Autosomal recessive inheritance. Affected: yes.

PreventionGenetics, part of Exact Sciences
Classification: Benign. Review status: criteria provided, single submitter. Criteria: ACMG Guidelines, 2015. Collection method: clinical testing. Allele origin: germline.

NM_001379180.1(ESRRB):c.144C>A (p.Ile48=)

Gene: ESRRB (estrogen related receptor beta; plus strand). Cytogenetic location: 14q24.3.
Variant type: single nucleotide variant.
Coding change: c.144C>A on transcript NM_001379180.1 (MANE Select); coding-DNA position 144, C replaced by A.
Protein change: p.Ile48=; no amino-acid change (isoleucine 48 retained).
Molecular consequence: synonymous variant.
Genome position (GRCh38, 1-based): chr14:76,439,434, C>A. VCF-style: chr14-76439434-C-A. GRCh37 (hg19) VCF-style: chr14-76905777-C-A.
Other names: p.Ile27=; c.81C>A, p.Ile27= (NM_004452.4).
Identifiers: ClinVar variation 45001 (VCV000045001.18), dbSNP rs35544003, ClinGen allele CA135421.
Genomic context (GRCh38, chr14:76,439,434, plus strand): 5'-CCTGGGCTCCAGCTGCGGCTCCTTCATCAAGACTGAGCCGTCCAGCCCGTCCTCGGGCAT[C>A]GATGCCCTCAGCCACCACAGCCCCAGTGGCTCGTCCGACGCCAGCGGCGGCTTTGGCCTG-3'
Protein context (NP_001366109.1, residues 38-58): KTEPSSPSSG[Ile48=]DALSHHSPSG